The following is an entry in ClinVar:

NM_015102.5(NPHP4):c.517+23G>A

Gene: NPHP4 (nephrocystin 4; minus strand). Cytogenetic location: 1p36.31.
Variant type: single nucleotide variant.
Coding change: c.517+23G>A on transcript NM_015102.5 (MANE Select); 23 bases into the intron after coding-DNA position 517, G replaced by A.
Molecular consequence: intron variant.
Genome position (GRCh38, 1-based): chr1:5,967,276, C>T on the plus strand (G>A on the coding strand, the complement: NPHP4 is on the minus strand). VCF-style: chr1-5967276-C-T. GRCh37 (hg19) VCF-style: chr1-6027336-C-T.
Other names: p.?; c.-850+23G>A (NM_001291594.2); c.-713+23G>A (NM_001291593.2).
Identifiers: ClinVar variation 4684274 (VCV004684274.1).
Genomic context (GRCh38, chr1:5,967,276, plus strand): 5'-ATCCCATTCAGAGCTAAAGGTGGGGAACACTCAGGGAAGGCACGAGAGCAGTGAGTGCTG[C>T]CAAGGCCAGGTCTGGCTCTTACGCTCTGCGGGGTCCTGGAGAAGCGGGTGCAGGAGGGCT-3'

ClinVar aggregate classification (germline): Benign (1 of 4 stars; one submission).

gnomAD v4.1: 3,283 of 1,584,366 alleles (0.21%); highest among the groups gnomAD compares: Non-Finnish European, 0.21%; 11 homozygotes.

Submission:

Mayo Clinic Laboratories, Mayo Clinic
Classification: Benign. Last evaluated: 2025-03-25. Review status: criteria provided, single submitter. Criteria: ACMG Guidelines, 2015. Collection method: clinical testing. Allele origin: germline. Observed: 2 variant alleles.
Comment: BA1, BP4, BP7